The following is an entry in ClinVar:

NM_002474.3(MYH11):c.1132G>A (p.Ala378Thr)

Gene: MYH11 (myosin heavy chain 11; minus strand). Cytogenetic location: 16p13.11.
Variant type: single nucleotide variant.
Coding change: c.1132G>A on transcript NM_002474.3 (MANE Select); coding-DNA position 1132, G replaced by A.
Protein change: p.Ala378Thr; replaces alanine 378 with threonine.
Molecular consequence: missense variant.
Genome position (GRCh38, 1-based): chr16:15,760,656, C>T on the plus strand (G>A on the coding strand, the complement: MYH11 is on the minus strand). VCF-style: chr16-15760656-C-T. GRCh37 (hg19) VCF-style: chr16-15854513-C-T.
Other names: p.Ala385Thr; c.1132G>A, p.Ala378Thr (NM_022844.3); c.1153G>A, p.Ala385Thr (NM_001040113.2, NM_001040114.2); short protein forms A378T, A385T.
Identifiers: ClinVar variation 1677333 (VCV001677333.9), dbSNP rs943768534, ClinGen allele CA278646741.

ClinVar aggregate classification (germline): Uncertain significance. Review status: criteria provided, multiple submitters, no conflicts (2 of 4 stars). 6 submissions from 6 submitters: Uncertain significance (6). Last evaluated 2026-08-19.

Conditions:
Familial thoracic aortic aneurysm and aortic dissection (TAAD). Also called: Thoracic aortic aneurysms and dissections. Identifiers: Orphanet 91387, MedGen C4707243, MONDO:0019625.
Aortic aneurysm, familial thoracic 4 (AAT4). Also called: AORTIC ANEURYSM/AORTIC DISSECTION AND PATENT DUCTUS ARTERIOSUS. Identifiers: MedGen C1851504, MONDO:0007568, OMIM 132900.

Allele frequency attached by ClinVar (database versions not stated): gnomAD 0.00001; gnomAD exomes 0.00001; TOPMed 0.00001.

Submissions (6):

GeneDx
Classification: Uncertain significance. Last evaluated: 2026-08-19. Review status: criteria provided, single submitter. Criteria: GeneDx Variant Classification Process June 2021. Collection method: clinical testing. Allele origin: germline.
Comment: Not observed at significant frequency in large population cohorts (gnomAD); In silico analysis supports that this missense variant has a deleterious effect on protein structure/function; Has not been previously published as pathogenic or benign to our knowledge

Color Diagnostics, LLC DBA Color Health
Classification: Uncertain significance for Familial thoracic aortic aneurysm and aortic dissection. Last evaluated: 2025-08-30. Review status: criteria provided, single submitter. Criteria: ACMG Guidelines, 2015. Collection method: clinical testing. Allele origin: germline.
Comment: This missense variant replaces alanine with threonine at codon 385 of the MYH11 protein. Computational prediction suggests that this variant may have deleterious impact on protein structure and function. To our knowledge, functional studies have not been reported for this variant. This variant has not been reported in individuals affected with MYH11-related disorders in the literature. This variant has been identified in 2/251490 chromosomes in the general population by the Genome Aggregation Database (gnomAD). The available evidence is insufficient to determine the role of this variant in disease conclusively. Therefore, this variant is classified as a Variant of Uncertain Significance.

Ambry Genetics
Classification: Uncertain significance for Familial thoracic aortic aneurysm and aortic dissection. Last evaluated: 2025-06-20. Review status: criteria provided, single submitter. Criteria: Ambry Variant Classification Scheme 2023. Collection method: clinical testing. Allele origin: germline.
Comment: The p.A378T variant (also known as c.1132G>A), located in coding exon 10 of the MYH11 gene, results from a G to A substitution at nucleotide position 1132. The alanine at codon 378 is replaced by threonine, an amino acid with similar properties. This amino acid position is conserved. In addition, this alteration is predicted to be deleterious by in silico analysis. Since supporting evidence is limited at this time, the clinical significance of this alteration remains unclear.

Mayo Clinic Laboratories, Mayo Clinic
Classification: Uncertain significance. Last evaluated: 2025-01-15. Review status: criteria provided, single submitter. Criteria: ACMG Guidelines, 2015. Collection method: clinical testing. Allele origin: germline. Observed: 1 variant allele.
Comment: PP3

Labcorp Genetics (formerly Invitae), Labcorp
Classification: Uncertain significance for Aortic aneurysm, familial thoracic 4. Last evaluated: 2024-05-13. Review status: criteria provided, single submitter. Criteria: Invitae Variant Classification Sherloc (09022015). Collection method: clinical testing. Allele origin: germline.
Comment: This sequence change replaces alanine, which is neutral and non-polar, with threonine, which is neutral and polar, at codon 385 of the MYH11 protein (p.Ala385Thr). This variant is present in population databases (no rsID available, gnomAD 0.01%). This variant has not been reported in the literature in individuals affected with MYH11-related conditions. ClinVar contains an entry for this variant (Variation ID: 1677333). An algorithm developed to predict the effect of missense changes on protein structure and function (PolyPhen-2) suggests that this variant is likely to be disruptive. In summary, the available evidence is currently insufficient to determine the role of this variant in disease. Therefore, it has been classified as a Variant of Uncertain Significance.

AiLife Diagnostics
Classification: Uncertain significance. Last evaluated: 2021-07-09. Review status: criteria provided, single submitter. Criteria: ACMG Guidelines, 2015. Collection method: clinical testing. Allele origin: germline. Affected: yes. Observed: 1 variant allele.